The following is an entry in ClinVar:

NM_006361.6(HOXB13):c.819G>A (p.Lys273=)

Gene: HOXB13 (homeobox B13; minus strand). Cytogenetic location: 17q21.32.
Variant type: single nucleotide variant.
Coding change: c.819G>A on transcript NM_006361.6 (MANE Select); coding-DNA position 819, G replaced by A.
Protein change: p.Lys273=; no amino-acid change (lysine 273 retained).
Molecular consequence: synonymous variant.
Genome position (GRCh38, 1-based): chr17:48,726,826, C>T on the plus strand (G>A on the coding strand, the complement: HOXB13 is on the minus strand). VCF-style: chr17-48726826-C-T. GRCh37 (hg19) VCF-style: chr17-46804188-C-T.
Other names: c.819G>A (NM_006361.5).
Identifiers: ClinVar variation 1561262 (VCV001561262.10), dbSNP rs1163383938, ClinGen allele CA500499065.

ClinVar aggregate classification (germline): Benign/Likely benign. Review status: criteria provided, multiple submitters, no conflicts (2 of 4 stars). 3 submissions from 3 submitters: Benign (1); Likely benign (2). Last evaluated 2024-10-31.

Conditions:
Prostate cancer, hereditary, 9 (HPC9). Identifiers: Orphanet 1331, MedGen C1970250, MONDO:0012597, OMIM 610997.
Hereditary cancer-predisposing syndrome. Also called: Tumor predisposition; Hereditary Cancer Syndrome; Hereditary neoplastic syndrome; Neoplastic Syndromes, Hereditary. Identifiers: Orphanet 140162, MedGen C0027672, MeSH D009386, MONDO:0015356.

Submissions (3):

Myriad Genetics, Inc.
Classification: Benign for Prostate cancer, hereditary, 9. Last evaluated: 2024-10-31. Review status: criteria provided, single submitter. Criteria: Myriad Autosomal Dominant, Autosomal Recessive and X-Linked Classification Criteria (2023). Collection method: clinical testing. Allele origin: unknown.
Comment: This variant is considered benign. This variant is a silent/synonymous amino acid change and it is not expected to impact splicing.

Ambry Genetics
Classification: Likely benign for Hereditary cancer-predisposing syndrome. Last evaluated: 2024-02-22. Review status: criteria provided, single submitter. Criteria: Ambry Variant Classification Scheme 2023. Collection method: clinical testing. Allele origin: germline.

Labcorp Genetics (formerly Invitae), Labcorp
Classification: Likely benign. Last evaluated: 2021-05-25. Review status: criteria provided, single submitter. Criteria: Invitae Variant Classification Sherloc (09022015). Collection method: clinical testing. Allele origin: germline.